The following is an entry in ClinVar:

ClinVar aggregate classification (germline): Uncertain significance (1 of 4 stars; one submission).

Conditions:
Inborn genetic diseases. Identifiers: MedGen C0950123, MeSH D030342.

Allele frequency attached by ClinVar (database versions not stated): gnomAD exomes below 0.00001; TOPMed below 0.00001.

Submission:

Ambry Genetics
Classification: Uncertain significance for Inborn genetic diseases. Last evaluated: 2021-08-13. Review status: criteria provided, single submitter. Criteria: Ambry Variant Classification Scheme 2023. Collection method: clinical testing. Allele origin: germline.
Comment: The p.R43W variant (also known as c.127C>T), located in coding exon 1 of the ACD gene, results from a C to T substitution at nucleotide position 127. The arginine at codon 43 is replaced by tryptophan, an amino acid with dissimilar properties. This amino acid position is conserved. In addition, this alteration is predicted to be tolerated by in silico analysis. Since supporting evidence is limited at this time, the clinical significance of this alteration remains unclear.

NM_001082486.1(ACD):c.127C>T (p.Arg43Trp)

Genes: ACD (ACD shelterin complex subunit and telomerase recruitment factor; minus strand), LOC130059224 (ATAC-STARR-seq lymphoblastoid silent region 7617; plus strand). Cytogenetic location: 16q22.1.
Variant type: single nucleotide variant.
Coding change: c.127C>T on transcript NM_001082486.1; coding-DNA position 127, C replaced by T.
Protein change: p.Arg43Trp; replaces arginine 43 with tryptophan.
Genome position (GRCh38, 1-based): chr16:67,660,352, G>A on the plus strand (C>T on the coding strand, the complement: ACD is on the minus strand). VCF-style: chr16-67660352-G-A. GRCh37 (hg19) VCF-style: chr16-67694255-G-A.
Other names: short protein forms R43W.
Identifiers: ClinVar variation 1767546 (VCV001767546.2), dbSNP rs1395030722, ClinGen allele CA396359664.